The following is an entry in ClinVar:

ClinVar aggregate classification (germline): Uncertain significance (1 of 4 stars; one submission).

Conditions:
Autosomal recessive limb-girdle muscular dystrophy type 2J (LGMDR10). Also called: Limb-girdle muscular dystrophy, type 2J; MUSCULAR DYSTROPHY, LIMB-GIRDLE, AUTOSOMAL RECESSIVE 10. Identifiers: Orphanet 140922, MedGen C1837342, MONDO:0012127, OMIM 608807.
Dilated cardiomyopathy 1G (CMD1G). Identifiers: Orphanet 154, MedGen C1858763, MONDO:0011400, OMIM 604145.

gnomAD v4.1: 1 of 1,596,980 alleles (0.000063%); highest among the groups gnomAD compares: Non-Finnish European, 0.000086%; no homozygotes.

Submission:

Labcorp Genetics (formerly Invitae), Labcorp
Classification: Uncertain significance for Dilated cardiomyopathy 1G; Autosomal recessive limb-girdle muscular dystrophy type 2J. Last evaluated: 2025-10-28. Review status: criteria provided, single submitter. Criteria: Invitae Variant Classification Sherloc (09022015). Collection method: clinical testing. Allele origin: germline.
Comment: This sequence change replaces glutamic acid, which is acidic and polar, with lysine, which is basic and polar, at codon 35797 of the TTN protein (p.Glu35797Lys). This variant is not present in population databases (gnomAD no frequency). This variant has not been reported in the literature in individuals affected with TTN-related conditions. Experimental studies and prediction algorithms are not available or were not evaluated, and the functional significance of this variant is currently unknown. This variant is located in the M band of TTN (PMID: 25589632). Non-truncating variants in this region may be relevant for neuromuscular disorders, but have not been definitively shown to cause cardiomyopathy (PMID: 23975875). In summary, the available evidence is currently insufficient to determine the role of this variant in disease. Therefore, it has been classified as a Variant of Uncertain Significance.

Literature cited by the submitters: PubMed 25589632; PubMed 23975875.

NM_001267550.2(TTN):c.107389G>A (p.Glu35797Lys)

Genes: TTN (titin; minus strand), TTN-AS1 (TTN antisense RNA 1; plus strand). Cytogenetic location: 2q31.2.
Variant type: single nucleotide variant.
Coding change: c.107389G>A on transcript NM_001267550.2 (MANE Select); coding-DNA position 107389, G replaced by A.
Protein change: p.Glu35797Lys; replaces glutamic acid 35797 with lysine.
Molecular consequence: missense variant.
Genome position (GRCh38, 1-based): chr2:178,527,737, C>T on the plus strand (G>A on the coding strand, the complement: TTN is on the minus strand). VCF-style: chr2-178527737-C-T. GRCh37 (hg19) VCF-style: chr2-179392464-C-T.
Other names: c.102466G>A, p.Glu34156Lys (NM_001256850.1); c.80194G>A, p.Glu26732Lys (NM_003319.4); c.99685G>A, p.Glu33229Lys (NM_133378.4); c.80569G>A, p.Glu26857Lys (NM_133432.3); c.80770G>A, p.Glu26924Lys (NM_133437.4); short protein forms E26857K, E26924K, E26732K, E34156K, E33229K, E35797K.
Identifiers: ClinVar variation 4787688 (VCV004787688.1).